The following is an entry in ClinVar:

NM_000551.4(VHL):c.340+8C>A

Gene: VHL (von Hippel-Lindau tumor suppressor; plus strand). Cytogenetic location: 3p25.3.
Variant type: single nucleotide variant.
Coding change: c.340+8C>A on transcript NM_000551.4 (MANE Select); 8 bases into the intron after coding-DNA position 340, C replaced by A.
Molecular consequence: intron variant.
Genome position (GRCh38, 1-based): chr3:10,142,195, C>A. VCF-style: chr3-10142195-C-A. GRCh37 (hg19) VCF-style: chr3-10183879-C-A.
Other names: c.340+8C>A (NM_001354723.2, NM_198156.3).
Identifiers: ClinVar variation 514276 (VCV000514276.13), dbSNP rs756068442, ClinGen allele CA040449.

ClinVar aggregate classification (germline): Likely benign. Review status: criteria provided, multiple submitters, no conflicts (2 of 4 stars). 3 submissions from 3 submitters: Likely benign (3). Last evaluated 2025-11-10.

Conditions:
Chuvash polycythemia. Also called: POLYCYTHEMIA, VHL-DEPENDENT. Identifiers: Orphanet 238557, MedGen C1837915, MONDO:0009892, OMIM 263400.
Von Hippel-Lindau syndrome (VHLS). Also called: Von Hippel-Lindau; von Hippel–Lindau syndrome; VHL syndrome. Identifiers: Orphanet 892, MedGen C0019562, MONDO:0008667, OMIM 193300. Disease mechanism: loss of function.

Allele frequency attached by ClinVar (database versions not stated): ExAC 0.00002; gnomAD exomes 0.00003.
gnomAD v4.1: 6 of 1,596,642 alleles (0.00038%); highest among the groups gnomAD compares: Admixed American, 0.01%; no homozygotes.

Submissions (3):

Labcorp Genetics (formerly Invitae), Labcorp
Classification: Likely benign for Von Hippel-Lindau syndrome; Chuvash polycythemia. Last evaluated: 2025-11-10. Review status: criteria provided, single submitter. Criteria: Invitae Variant Classification Sherloc (09022015). Collection method: clinical testing. Allele origin: germline.

Myriad Genetics, Inc.
Classification: Likely benign for Von Hippel-Lindau syndrome. Last evaluated: 2025-06-11. Review status: criteria provided, single submitter. Criteria: Myriad Autosomal Dominant, Autosomal Recessive and X-Linked Classification Criteria (2023). Collection method: clinical testing. Allele origin: unknown.
Comment: This variant is considered likely benign. This variant is intronic and is not expected to impact mRNA splicing.

GeneDx
Classification: Likely benign. Last evaluated: 2017-12-18. Review status: criteria provided, single submitter. Criteria: GeneDx Variant Classification (06012015). Collection method: clinical testing. Allele origin: germline. Affected: yes.
Comment: This variant is considered likely benign or benign based on one or more of the following criteria: it is a conservative change, it occurs at a poorly conserved position in the protein, it is predicted to be benign by multiple in silico algorithms, and/or has population frequency not consistent with disease.